The following is an entry in ClinVar:

NM_031471.6(FERMT3):c.34A>G (p.Ile12Val)

Gene: FERMT3 (FERM domain containing kindlin 3; plus strand). Cytogenetic location: 11q13.1.
Variant type: single nucleotide variant.
Coding change: c.34A>G on transcript NM_031471.6 (MANE Select); coding-DNA position 34, A replaced by G.
Protein change: p.Ile12Val; replaces isoleucine 12 with valine.
Molecular consequence: missense variant.
Genome position (GRCh38, 1-based): chr11:64,207,398, A>G. VCF-style: chr11-64207398-A-G. GRCh37 (hg19) VCF-style: chr11-63974870-A-G.
Other names: c.34A>G, p.Ile12Val (NM_001382361.1, NM_001382362.1, NM_001382448.1 and 1 more transcripts); short protein forms I12V.
Identifiers: ClinVar variation 950195 (VCV000950195.6), dbSNP rs1946335026, ClinGen allele CA381079457.

ClinVar aggregate classification (germline): Uncertain significance (1 of 4 stars; one submission).

Conditions:
Leukocyte adhesion deficiency 3. Also called: Leukocyte adhesion deficiency, type III; INTEGRIN ACTIVATION DEFICIENCY DISEASE; LEUKOCYTE ADHESION DEFICIENCY 1 VARIANT. Identifiers: Orphanet 2968, Orphanet 99844, MedGen C2748536, MONDO:0013016, OMIM 612840.

Allele frequency attached by ClinVar (database versions not stated): gnomAD exomes below 0.00001; gnomAD 0.00001.
gnomAD v4.1: 7 of 1,613,986 alleles (0.00043%); highest among the groups gnomAD compares: East Asian, 0.0022%; no homozygotes.

Submission:

Labcorp Genetics (formerly Invitae), Labcorp
Classification: Uncertain significance for Leukocyte adhesion deficiency 3. Last evaluated: 2025-09-02. Review status: criteria provided, single submitter. Criteria: Invitae Variant Classification Sherloc (09022015). Collection method: clinical testing. Allele origin: germline.
Comment: This sequence change replaces isoleucine, which is neutral and non-polar, with valine, which is neutral and non-polar, at codon 12 of the FERMT3 protein (p.Ile12Val). This variant is not present in population databases (gnomAD no frequency). This variant has not been reported in the literature in individuals affected with FERMT3-related conditions. ClinVar contains an entry for this variant (Variation ID: 950195). Invitae Evidence Modeling of protein sequence and biophysical properties (such as structural, functional, and spatial information, amino acid conservation, physicochemical variation, residue mobility, and thermodynamic stability) indicates that this missense variant is not expected to disrupt FERMT3 protein function with a negative predictive value of 80%. In summary, the available evidence is currently insufficient to determine the role of this variant in disease. Therefore, it has been classified as a Variant of Uncertain Significance.